The following is an entry in ClinVar:

ClinVar aggregate classification (germline): Conflicting classifications of pathogenicity. Review status: criteria provided, conflicting classifications (1 of 4 stars). 7 submissions from 7 submitters: Uncertain significance (4); Likely benign (2). 1 of the submissions does not count toward it. Last evaluated 2026-02-01.

Conditions:
ANKRD26-related disorder. Also called: ANKRD26-related condition.
Thrombocytopenia 2 (THC2). Also called: ANKRD26-Related Thrombocytopenia. Identifiers: Orphanet 268322, MedGen C1861185, MONDO:0008555, OMIM 188000.

Allele frequency attached by ClinVar (database versions not stated): ESP Exome Variant Server 0.00048; TOPMed 0.00059; 1000 Genomes Project 30x 0.00078; 1000 Genomes Project 0.00080.
gnomAD v4.1: 241 of 1,614,182 alleles (0.015%); highest among the groups gnomAD compares: African/African-American, 0.17%; 3 homozygotes.

Submissions (7):

Labcorp Genetics (formerly Invitae), Labcorp
Classification: Likely benign. Last evaluated: 2026-02-01. Review status: criteria provided, single submitter. Criteria: Invitae Variant Classification Sherloc (09022015). Collection method: clinical testing. Allele origin: germline.

Blueprint Genetics
Classification: Likely benign. Last evaluated: 2024-11-01. Review status: criteria provided, single submitter. Criteria: ACMG Guidelines, 2015. Collection method: clinical testing. Allele origin: germline.

GeneDx
Classification: Uncertain significance. Last evaluated: 2024-04-22. Review status: criteria provided, single submitter. Criteria: GeneDx Variant Classification Process June 2021. Collection method: clinical testing. Allele origin: germline. Affected: yes.
Comment: In silico analysis supports that this missense variant has a deleterious effect on protein structure/function; Observed in individual(s) with personal or family history of coronary heart disease (PMID: 29185836); This variant is associated with the following publications: (PMID: 29185836)

Women's Health and Genetics/Laboratory Corporation of America, LabCorp
Classification: Uncertain significance. Last evaluated: 2024-02-21. Review status: criteria provided, single submitter. Criteria: LabCorp Variant Classification Summary - May 2015. Collection method: clinical testing. Allele origin: germline.
Comment: Variant summary: ANKRD26 c.371A>T (p.Gln124Leu) results in a non-conservative amino acid change in the encoded protein sequence. Three of five in-silico tools predict a benign effect of the variant on protein function. The variant allele was found at a frequency of 0.00019 in 250118 control chromosomes (gnomAD). To our knowledge, no occurrence of c.371A>T in individuals affected with Thrombocytopenia 2 and no experimental evidence demonstrating its impact on protein function have been reported. ClinVar contains an entry for this variant (Variation ID: 1033718). Based on the evidence outlined above, the variant was classified as uncertain significance.

Genetic Services Laboratory, University of Chicago
Classification: Uncertain significance. Last evaluated: 2019-03-14. Review status: criteria provided, single submitter. Criteria: ACMG Guidelines, 2015. Collection method: clinical testing. Allele origin: germline. Affected: no.

Baylor Genetics
Classification: Uncertain significance for Thrombocytopenia 2. Last evaluated: 2018-07-16. Review status: criteria provided, single submitter. Criteria: ACMG Guidelines, 2015. Collection method: clinical testing. Allele origin: paternal. Affected: yes.
Comment: This variant was determined to be of uncertain significance according to ACMG Guidelines, 2015 [PMID:25741868].

PreventionGenetics, part of Exact Sciences
Classification: Likely benign for ANKRD26-related condition. Last evaluated: 2019-11-11. Review status: no assertion criteria provided. Collection method: clinical testing. Allele origin: germline. Not counted in ClinVar's aggregate classification.
Comment: This variant is classified as likely benign based on ACMG/AMP sequence variant interpretation guidelines (Richards et al. 2015 PMID: 25741868, with internal and published modifications).

NM_014915.3(ANKRD26):c.371A>T (p.Gln124Leu)

Gene: ANKRD26 (ankyrin repeat domain 26; minus strand). Cytogenetic location: 10p12.1.
Variant type: single nucleotide variant.
Coding change: c.371A>T on transcript NM_014915.3 (MANE Select); coding-DNA position 371, A replaced by T.
Protein change: p.Gln124Leu; replaces glutamine 124 with leucine.
Molecular consequence: missense variant.
Genome position (GRCh38, 1-based): chr10:27,093,509, T>A on the plus strand (A>T on the coding strand, the complement: ANKRD26 is on the minus strand). VCF-style: chr10-27093509-T-A. GRCh37 (hg19) VCF-style: chr10-27382438-T-A.
Other names: c.371A>T, p.Gln124Leu (NM_001256053.2); short protein forms Q124L.
Identifiers: ClinVar variation 1033718 (VCV001033718.14), dbSNP rs200100926, ClinGen allele CA5448958.